The following is an entry in ClinVar:

ClinVar aggregate classification (germline): Uncertain significance (1 of 4 stars; one submission).

Allele frequency attached by ClinVar (database versions not stated): gnomAD exomes below 0.00001; TOPMed 0.00001; gnomAD 0.00002.
gnomAD v4.1: 4 of 1,611,758 alleles (0.00025%); highest among the groups gnomAD compares: African/African-American, 0.0053%; no homozygotes.

Submission:

GeneDx
Classification: Uncertain significance. Last evaluated: 2019-12-26. Review status: criteria provided, single submitter. Criteria: GeneDx Variant Classification Process June 2021. Collection method: clinical testing. Allele origin: germline. Affected: yes.
Comment: Not observed at a significant frequency in large population cohorts (Lek et al., 2016); In silico analysis, which includes protein predictors and evolutionary conservation, supports that this variant does not alter protein structure/function; Has not been previously published as pathogenic or benign to our knowledge

NM_001013703.4(EIF2AK4):c.709G>A (p.Gly237Ser)

Gene: EIF2AK4 (eukaryotic translation initiation factor 2 alpha kinase 4; plus strand). Cytogenetic location: 15q15.1.
Variant type: single nucleotide variant.
Coding change: c.709G>A on transcript NM_001013703.4 (MANE Select); coding-DNA position 709, G replaced by A.
Protein change: p.Gly237Ser; replaces glycine 237 with serine.
Molecular consequence: missense variant.
Genome position (GRCh38, 1-based): chr15:39,955,734, G>A. VCF-style: chr15-39955734-G-A. GRCh37 (hg19) VCF-style: chr15-40247935-G-A.
Other names: short protein forms G237S.
Identifiers: ClinVar variation 1311303 (VCV001311303.2), dbSNP rs1037570316, ClinGen allele CA268721875.